The following is an entry in ClinVar:

ClinVar aggregate classification (germline): Uncertain significance (1 of 4 stars; one submission).

Conditions:
Primary dilated cardiomyopathy (DCM). Also called: Dilated Cardiomyopathy. Identifiers: Orphanet 217604, MedGen C0007193, MeSH D002311, MONDO:0005021, HP:0001644. Inheritance: Various modes of inheritance.

gnomAD v4.1: 1 of 1,612,582 alleles (0.000062%); highest among the groups gnomAD compares: Non-Finnish European, 0.000085%; no homozygotes.

Submission:

Labcorp Genetics (formerly Invitae), Labcorp
Classification: Uncertain significance for Primary dilated cardiomyopathy. Last evaluated: 2023-02-10. Review status: criteria provided, single submitter. Criteria: Invitae Variant Classification Sherloc (09022015). Collection method: clinical testing. Allele origin: germline.
Comment: This sequence change replaces leucine, which is neutral and non-polar, with histidine, which is basic and polar, at codon 924 of the NEBL protein (p.Leu924His). This variant is not present in population databases (gnomAD no frequency). This variant has not been reported in the literature in individuals affected with NEBL-related conditions. Algorithms developed to predict the effect of missense changes on protein structure and function are either unavailable or do not agree on the potential impact of this missense change (SIFT: "Deleterious"; PolyPhen-2: "Probably Damaging"; Align-GVGD: "Class C0"). In summary, the available evidence is currently insufficient to determine the role of this variant in disease. Therefore, it has been classified as a Variant of Uncertain Significance.

NM_006393.3(NEBL):c.2771T>A (p.Leu924His)

Gene: NEBL (nebulette; minus strand). Cytogenetic location: 10p12.31.
Variant type: single nucleotide variant.
Coding change: c.2771T>A on transcript NM_006393.3 (MANE Select); coding-DNA position 2771, T replaced by A.
Protein change: p.Leu924His; replaces leucine 924 with histidine.
Molecular consequence: missense variant.
Genome position (GRCh38, 1-based): chr10:20,787,299, A>T on the plus strand (T>A on the coding strand, the complement: NEBL is on the minus strand). VCF-style: chr10-20787299-A-T. GRCh37 (hg19) VCF-style: chr10-21076228-A-T.
Other names: c.539T>A, p.Leu180His (NM_001173484.2, NM_213569.2); c.632T>A, p.Leu211His (NM_001377322.1); c.491T>A, p.Leu164His (NM_001377323.1); c.482T>A, p.Leu161His (NM_001377324.1); c.473T>A, p.Leu158His (NM_001377325.1); c.431T>A, p.Leu144His (NM_001377326.1, NM_001377327.1, NM_001377328.1); short protein forms L211H, L924H, L144H, L164H, L158H, L161H, L180H.
Identifiers: ClinVar variation 2996119 (VCV002996119.3), dbSNP rs2491380581, ClinGen allele CA376092601.